The following is an entry in ClinVar:

ClinVar aggregate classification (germline): Pathogenic (1 of 4 stars; one submission).

Conditions:
Hereditary cancer-predisposing syndrome. Also called: Tumor predisposition; Neoplastic Syndromes, Hereditary; Hereditary Cancer Syndrome; Hereditary neoplastic syndrome. Identifiers: Orphanet 140162, MedGen C0027672, MeSH D009386, MONDO:0015356.

Submission:

Ambry Genetics
Classification: Pathogenic for Hereditary cancer-predisposing syndrome. Last evaluated: 2024-12-04. Review status: criteria provided, single submitter. Criteria: Ambry Variant Classification Scheme 2023. Collection method: clinical testing. Allele origin: germline.
Comment: The p.E243* pathogenic mutation (also known as c.727G>T), located in coding exon 6 of the CDH1 gene, results from a G to T substitution at nucleotide position 727. This changes the amino acid from a glutamic acid to a stop codon within coding exon 6. This variant is considered to be rare based on population cohorts in the Genome Aggregation Database (gnomAD). This alteration is expected to result in loss of function by premature protein truncation or nonsense-mediated mRNA decay. As such, this alteration is interpreted as a disease-causing mutation.

NM_004360.5(CDH1):c.727G>T (p.Glu243Ter)

Gene: CDH1 (cadherin 1; plus strand). Cytogenetic location: 16q22.1.
Variant type: single nucleotide variant.
Coding change: c.727G>T on transcript NM_004360.5 (MANE Select); coding-DNA position 727, G replaced by T.
Protein change: p.Glu243Ter; replaces glutamic acid 243 with a stop codon.
Molecular consequence: nonsense. On other transcripts: 5 prime UTR variant (2).
Genome position (GRCh38, 1-based): chr16:68,810,236, G>T. VCF-style: chr16-68810236-G-T. GRCh37 (hg19) VCF-style: chr16-68844139-G-T.
Other names: c.727G>T, p.Glu243Ter (NM_001317184.2); c.-889G>T (NM_001317185.2); c.-1093G>T (NM_001317186.2); short protein forms E243*.
Identifiers: ClinVar variation 3488680 (VCV003488680.1).